The following is an entry in ClinVar:

ClinVar aggregate classification (germline): Pathogenic (1 of 4 stars; one submission).

gnomAD v4.1: 2 of 1,614,106 alleles (0.00012%); highest among the groups gnomAD compares: Non-Finnish European, 0.000085%; no homozygotes.

Submission:

Labcorp Genetics (formerly Invitae), Labcorp
Classification: Pathogenic. Last evaluated: 2025-07-29. Review status: criteria provided, single submitter. Criteria: Invitae Variant Classification Sherloc (09022015). Collection method: clinical testing. Allele origin: germline.
Comment: This sequence change creates a premature translational stop signal (p.Gln1083*) in the TET2 gene. It is expected to result in an absent or disrupted protein product. Loss-of-function variants in TET2 are known to be pathogenic (PMID: 36066697). This variant is not present in population databases (gnomAD no frequency). This variant has not been reported in the literature in individuals affected with TET2-related conditions. Algorithms developed to predict the effect of sequence changes on RNA splicing suggest that this variant may disrupt the consensus splice site. For these reasons, this variant has been classified as Pathogenic.

Literature cited by the submitters: PubMed 36066697.

NM_001127208.3(TET2):c.3247C>T (p.Gln1083Ter)

Genes: TET2 (tet methylcytosine dioxygenase 2; plus strand), TET2-AS1 (TET2 antisense RNA 1; minus strand). Cytogenetic location: 4q24.
Variant type: single nucleotide variant.
Coding change: c.3247C>T on transcript NM_001127208.3 (MANE Select); coding-DNA position 3247, C replaced by T.
Protein change: p.Gln1083Ter; replaces glutamine 1083 with a stop codon.
Molecular consequence: nonsense.
Genome position (GRCh38, 1-based): chr4:105,237,189, C>T. VCF-style: chr4-105237189-C-T. GRCh37 (hg19) VCF-style: chr4-106158346-C-T.
Other names: c.3247C>T, p.Gln1083Ter (NM_017628.4); short protein forms Q1083*.
Identifiers: ClinVar variation 4767774 (VCV004767774.1).